The following is an entry in ClinVar:

ClinVar aggregate classification (germline): Uncertain significance (1 of 4 stars; one submission).

Allele frequency attached by ClinVar (database versions not stated): gnomAD exomes below 0.00001; TOPMed below 0.00001.

Submission:

Ambry Genetics
Classification: Uncertain significance. Last evaluated: 2025-02-16. Review status: criteria provided, single submitter. Criteria: Ambry Variant Classification Scheme 2023. Collection method: clinical testing. Allele origin: germline.
Comment: The p.T82A variant (also known as c.244A>G), located in coding exon 3 of the RINT1 gene, results from an A to G substitution at nucleotide position 244. The threonine at codon 82 is replaced by alanine, an amino acid with similar properties. This amino acid position is conserved. In addition, this alteration is predicted to be tolerated by in silico analysis. Since supporting evidence is limited at this time, the clinical significance of this alteration remains unclear.

NM_021930.6(RINT1):c.244A>G (p.Thr82Ala)

Gene: RINT1 (RAD50 interactor 1; plus strand). Cytogenetic location: 7q22.3.
Variant type: single nucleotide variant.
Coding change: c.244A>G on transcript NM_021930.6 (MANE Select); coding-DNA position 244, A replaced by G.
Protein change: p.Thr82Ala; replaces threonine 82 with alanine.
Molecular consequence: missense variant. On other transcripts: 5 prime UTR variant (3), non-coding transcript variant (1), intron variant (1).
Genome position (GRCh38, 1-based): chr7:105,536,720, A>G. VCF-style: chr7-105536720-A-G. GRCh37 (hg19) VCF-style: chr7-105177167-A-G.
Other names: c.-776A>G (NM_001346600.2); c.-679A>G (NM_001346601.2); c.-299A>G (NM_001346603.2); c.39+108A>G (NM_001346599.2); short protein forms T82A.
Identifiers: ClinVar variation 1791447 (VCV001791447.3), dbSNP rs1378725729, ClinGen allele CA368800676.